The following is an entry in ClinVar:

ClinVar aggregate classification (germline): Benign/Likely benign. Review status: criteria provided, multiple submitters, no conflicts (2 of 4 stars). 5 submissions from 5 submitters: Benign (1); Likely benign (3). 1 of the submissions does not count toward it. Last evaluated 2026-04-16.

Conditions:
DICER1-related tumor predisposition. Also called: DICER1-related pleuropulmonary blastoma cancer predisposition syndrome; DICER1 syndrome. Identifiers: Orphanet 284343, MedGen C3839822, MONDO:0100216.
Hereditary cancer-predisposing syndrome. Also called: Hereditary neoplastic syndrome; Neoplastic Syndromes, Hereditary; Hereditary Cancer Syndrome; Tumor predisposition. Identifiers: Orphanet 140162, MedGen C0027672, MeSH D009386, MONDO:0015356.
DICER1-related disorder. Also called: DICER1-related condition.

Allele frequency attached by ClinVar (database versions not stated): ExAC 0.00001; gnomAD 0.00001; gnomAD exomes 0.00001; TOPMed 0.00002.

Submissions (5):

Myriad Genetics, Inc.
Classification: Benign for DICER1-related tumor predisposition. Last evaluated: 2026-04-16. Review status: criteria provided, single submitter. Criteria: Myriad Autosomal Dominant, Autosomal Recessive and X-Linked Classification Criteria (2023). Collection method: clinical testing. Allele origin: unknown.
Comment: This variant is considered benign. This variant is a silent/synonymous amino acid change and it is not expected to impact splicing.

Labcorp Genetics (formerly Invitae), Labcorp
Classification: Likely benign for DICER1-related tumor predisposition. Last evaluated: 2026-01-13. Review status: criteria provided, single submitter. Criteria: Invitae Variant Classification Sherloc (09022015). Collection method: clinical testing. Allele origin: germline.

Mayo Clinic Laboratories, Mayo Clinic
Classification: Likely benign. Last evaluated: 2025-06-12. Review status: criteria provided, single submitter. Criteria: ACMG Guidelines, 2015. Collection method: clinical testing. Allele origin: germline. Observed: 1 variant allele.
Comment: BP4, BP7

Ambry Genetics
Classification: Likely benign for Hereditary cancer-predisposing syndrome. Last evaluated: 2017-11-22. Review status: criteria provided, single submitter. Criteria: Ambry Variant Classification Scheme 2023. Collection method: clinical testing. Allele origin: germline.

PreventionGenetics, part of Exact Sciences
Classification: Likely benign for DICER1-related condition. Last evaluated: 2024-04-25. Review status: no assertion criteria provided. Collection method: clinical testing. Allele origin: germline. Not counted in ClinVar's aggregate classification.
Comment: This variant is classified as likely benign based on ACMG/AMP sequence variant interpretation guidelines (Richards et al. 2015 PMID: 25741868, with internal and published modifications).

NM_177438.3(DICER1):c.1986A>T (p.Thr662=)

Gene: DICER1 (dicer 1, ribonuclease III; minus strand). Cytogenetic location: 14q32.13.
Variant type: single nucleotide variant.
Coding change: c.1986A>T on transcript NM_177438.3 (MANE Select); coding-DNA position 1986, A replaced by T.
Protein change: p.Thr662=; no amino-acid change (threonine 662 retained).
Molecular consequence: synonymous variant.
Genome position (GRCh38, 1-based): chr14:95,113,146, T>A on the plus strand (A>T on the coding strand, the complement: DICER1 is on the minus strand). VCF-style: chr14-95113146-T-A. GRCh37 (hg19) VCF-style: chr14-95579483-T-A.
Other names: p.Thr662=; c.1986A>T, p.Thr662= (NM_001195573.1, NM_001271282.3, NM_001291628.2 and 1 more transcripts).
Identifiers: ClinVar variation 477081 (VCV000477081.19), dbSNP rs762241036, ClinGen allele CA7331348.